The following is an entry in ClinVar:

ClinVar aggregate classification (germline): Likely benign. Review status: criteria provided, multiple submitters, no conflicts (2 of 4 stars). 2 submissions from 2 submitters: Likely benign (2). Last evaluated 2024-01-11.

Conditions:
Retinitis pigmentosa (RP). Identifiers: Orphanet 791, MedGen C0035334, MeSH D012174, MONDO:0019200, OMIM 268000. Inheritance: Autosomal dominant, autosomal recessive and X linked inheritance.

Allele frequency attached by ClinVar (database versions not stated): 1000 Genomes Project 30x 0.00047; 1000 Genomes Project 0.00060; TOPMed 0.00082; ESP Exome Variant Server 0.00146.
gnomAD v4.1: 635 of 1,613,864 alleles (0.039%); highest among the groups gnomAD compares: African/African-American, 0.28%; no homozygotes.

Submissions (2):

Blueprint Genetics
Classification: Likely benign. Last evaluated: 2024-01-11. Review status: criteria provided, single submitter. Criteria: ACMG Guidelines, 2015. Collection method: clinical testing. Allele origin: germline.

Illumina Laboratory Services, Illumina
Classification: Likely benign for Retinitis pigmentosa. Last evaluated: 2018-01-13. Review status: criteria provided, single submitter. Criteria: ICSL Variant Classification Criteria 13 December 2019. Collection method: clinical testing. Allele origin: germline.
Comment: This variant was observed in the ICSL laboratory as part of a predisposition screen in an ostensibly healthy population. It had not been previously curated by ICSL or reported in the Human Gene Mutation Database (HGMD: prior to June 1st, 2018), and was therefore a candidate for classification through an automated scoring system. Utilizing variant allele frequency, disease prevalence and penetrance estimates, and inheritance mode, an automated score was calculated to assess if this variant is too frequent to cause the disease. Based on the score and internal cut-off values, a variant classified as likely benign is not then subjected to further curation. The score for this variant resulted in a classification of likely benign for this disease.

NM_006445.4(PRPF8):c.*2C>T

Gene: PRPF8 (pre-mRNA processing factor 8; minus strand). Cytogenetic location: 17p13.3.
Variant type: single nucleotide variant.
Coding change: c.*2C>T on transcript NM_006445.4 (MANE Select); 2 bases downstream of the stop codon, C replaced by T.
Molecular consequence: 3 prime UTR variant.
Genome position (GRCh38, 1-based): chr17:1,650,800, G>A on the plus strand (C>T on the coding strand, the complement: PRPF8 is on the minus strand). VCF-style: chr17-1650800-G-A. GRCh37 (hg19) VCF-style: chr17-1554094-G-A.
Identifiers: ClinVar variation 321869 (VCV000321869.6), dbSNP rs147941247, ClinGen allele CA8271028.